The following is an entry in ClinVar:

NM_003601.4(SMARCA5):c.686C>G (p.Pro229Arg)

Gene: SMARCA5 (SNF2 related chromatin remodeling ATPase 5; plus strand). Cytogenetic location: 4q31.21.
Variant type: single nucleotide variant.
Coding change: c.686C>G on transcript NM_003601.4 (MANE Select); coding-DNA position 686, C replaced by G.
Protein change: p.Pro229Arg; replaces proline 229 with arginine.
Molecular consequence: missense variant.
Genome position (GRCh38, 1-based): chr4:143,526,345, C>G. VCF-style: chr4-143526345-C-G. GRCh37 (hg19) VCF-style: chr4-144447498-C-G.
Other names: short protein forms P229R.
Identifiers: ClinVar variation 4880975 (VCV004880975.2).

ClinVar aggregate classification (germline): Uncertain significance (1 of 4 stars; one submission).

Submission:

Dasa
Classification: Uncertain significance. Last evaluated: 2026-04-14. Review status: criteria provided, single submitter. Criteria: DASA Assertion Criteria. Collection method: clinical testing. Allele origin: germline.
Comment: NM_003601.4(SMARCA5):c.686C>G (p.Pro229Arg) is a missense variant that results in the substitution of proline with arginine. This variant is absent from population databases. The currently available literature and clinical evidence are not sufficient to establish a definitive association between this variant and the reported condition. Therefore, this variant is classified as a variant of uncertain significance.